The following is an entry in ClinVar:

NM_001042492.3(NF1):c.4241T>A (p.Ile1414Asn)

Gene: NF1 (neurofibromin 1; plus strand). Cytogenetic location: 17q11.2.
Variant type: single nucleotide variant.
Coding change: c.4241T>A on transcript NM_001042492.3 (MANE Select); coding-DNA position 4241, T replaced by A.
Protein change: p.Ile1414Asn; replaces isoleucine 1414 with asparagine.
Molecular consequence: missense variant.
Genome position (GRCh38, 1-based): chr17:31,258,411, T>A. VCF-style: chr17-31258411-T-A. GRCh37 (hg19) VCF-style: chr17-29585429-T-A.
Other names: c.4178T>A, p.Ile1393Asn (NM_000267.4); short protein forms I1393N, I1414N.
Identifiers: ClinVar variation 3237772 (VCV003237772.1), dbSNP rs2151461968.

ClinVar aggregate classification (germline): Uncertain significance (1 of 4 stars; one submission).

Conditions:
Hereditary cancer-predisposing syndrome. Also called: Neoplastic Syndromes, Hereditary; Tumor predisposition; Hereditary neoplastic syndrome; Hereditary Cancer Syndrome. Identifiers: Orphanet 140162, MedGen C0027672, MeSH D009386, MONDO:0015356.
Cardiovascular phenotype. Identifiers: MedGen CN230736.

Submission:

Ambry Genetics
Classification: Uncertain significance for Cardiovascular phenotype; Hereditary cancer-predisposing syndrome. Last evaluated: 2023-05-21. Review status: criteria provided, single submitter. Criteria: Ambry Variant Classification Scheme 2023. Collection method: clinical testing. Allele origin: germline.
Comment: The p.I1393N variant (also known as c.4178T>A), located in coding exon 31 of the NF1 gene, results from a T to A substitution at nucleotide position 4178. The isoleucine at codon 1393 is replaced by asparagine, an amino acid with dissimilar properties. This amino acid position is conserved. In addition, this alteration is predicted to be deleterious by in silico analysis. Since supporting evidence is limited at this time, the clinical significance of this alteration remains unclear.